The following is an entry in ClinVar:

NM_000548.5(TSC2):c.3649A>C (p.Ser1217Arg)

Gene: TSC2 (TSC complex subunit 2; plus strand). Cytogenetic location: 16p13.3.
Variant type: single nucleotide variant.
Coding change: c.3649A>C on transcript NM_000548.5 (MANE Select); coding-DNA position 3649, A replaced by C.
Protein change: p.Ser1217Arg; replaces serine 1217 with arginine.
Molecular consequence: missense variant.
Genome position (GRCh38, 1-based): chr16:2,081,633, A>C. VCF-style: chr16-2081633-A-C. GRCh37 (hg19) VCF-style: chr16-2131634-A-C.
Other names: c.3460A>C, p.Ser1154Arg (NM_001406677.1); c.3406A>C, p.Ser1136Arg (NM_001406678.1); c.3370A>C, p.Ser1124Arg (NM_001406679.1); c.3049A>C, p.Ser1017Arg (NM_001406680.1, NM_001406682.1, NM_001406683.1); c.3058A>C, p.Ser1020Arg (NM_001406681.1); c.3046A>C, p.Ser1016Arg (NM_001406684.1); c.3517A>C, p.Ser1173Arg (NM_001077183.3, NM_001370404.1, NM_001406665.1); c.3649A>C, p.Ser1217Arg (NM_001114382.3); and 18 more; short protein forms S1016R, S1017R, S1020R, S1124R, S1125R, S1136R, S1137R, S1154R.
Identifiers: ClinVar variation 1718047 (VCV001718047.5), dbSNP rs2544154181, ClinGen allele CA394291960.

ClinVar aggregate classification (germline): Uncertain significance (1 of 4 stars; one submission).

Conditions:
Tuberous sclerosis 2 (TSC2). Identifiers: Orphanet 805, MedGen C1860707, MONDO:0013199, OMIM 613254.

Submission:

Labcorp Genetics (formerly Invitae), Labcorp
Classification: Uncertain significance for Tuberous sclerosis 2. Last evaluated: 2022-09-09. Review status: criteria provided, single submitter. Criteria: Invitae Variant Classification Sherloc (09022015). Collection method: clinical testing. Allele origin: germline.
Comment: In summary, the available evidence is currently insufficient to determine the role of this variant in disease. Therefore, it has been classified as a Variant of Uncertain Significance. Advanced modeling of protein sequence and biophysical properties (such as structural, functional, and spatial information, amino acid conservation, physicochemical variation, residue mobility, and thermodynamic stability) performed at Invitae indicates that this missense variant is not expected to disrupt TSC2 protein function. This variant has not been reported in the literature in individuals affected with TSC2-related conditions. This variant is not present in population databases (gnomAD no frequency). This sequence change replaces serine, which is neutral and polar, with arginine, which is basic and polar, at codon 1217 of the TSC2 protein (p.Ser1217Arg).